The following is an entry in ClinVar:

ClinVar aggregate classification (germline): Uncertain significance (1 of 4 stars; one submission).

Allele frequency attached by ClinVar (database versions not stated): gnomAD exomes below 0.00001; gnomAD 0.00002; TOPMed 0.00002.
gnomAD v4.1: 8 of 1,529,788 alleles (0.00052%); highest among the groups gnomAD compares: Admixed American, 0.0038%; no homozygotes.

Submission:

Labcorp Genetics (formerly Invitae), Labcorp
Classification: Uncertain significance. Last evaluated: 2022-07-19. Review status: criteria provided, single submitter. Criteria: Invitae Variant Classification Sherloc (09022015). Collection method: clinical testing. Allele origin: germline.
Comment: This sequence change replaces glutamic acid, which is acidic and polar, with aspartic acid, which is acidic and polar, at codon 1127 of the COL18A1 protein (p.Glu1127Asp). The frequency data for this variant in the population databases is considered unreliable, as metrics indicate poor data quality at this position in the gnomAD database. This variant has not been reported in the literature in individuals affected with COL18A1-related conditions. Experimental studies and prediction algorithms are not available or were not evaluated, and the functional significance of this variant is currently unknown. In summary, the available evidence is currently insufficient to determine the role of this variant in disease. Therefore, it has been classified as a Variant of Uncertain Significance.

NM_001379500.1(COL18A1):c.3390G>T (p.Glu1130Asp)

Genes: COL18A1 (collagen type XVIII alpha 1 chain; plus strand), SLC19A1 (solute carrier family 19 member 1; minus strand). Cytogenetic location: 21q22.3.
Variant type: single nucleotide variant.
Coding change: c.3390G>T on transcript NM_001379500.1 (MANE Select); coding-DNA position 3390, G replaced by T.
Protein change: p.Glu1130Asp; replaces glutamic acid 1130 with aspartic acid.
Molecular consequence: missense variant.
Genome position (GRCh38, 1-based): chr21:45,509,496, G>T. VCF-style: chr21-45509496-G-T. GRCh37 (hg19) VCF-style: chr21-46929410-G-T.
Other names: c.3921G>T, p.Glu1307Asp (NM_030582.4); c.4626G>T, p.Glu1542Asp (NM_130444.3); short protein forms E1307D, E1130D, E1542D.
Identifiers: ClinVar variation 1918188 (VCV001918188.2), dbSNP rs1203048331, ClinGen allele CA410500953.
Genomic context (GRCh38, chr21:45,509,496, plus strand): 5'-CCCCACCGCGCGGCCCTGGCGGGCAGATGACATCCTGGCCAGCCCCCCTCGCCTGCCCGA[G>T]CCCCAGCCCTACCCCGGAGCCCCGCACCACAGCTCCTACGTGCACCTGCGGCCGGCGCGA-3'
Protein context (NP_001366429.1, residues 1120-1140): DILASPPRLP[Glu1130Asp]PQPYPGAPHH